The following is an entry in ClinVar:

NM_138477.4(CDAN1):c.1190G>A (p.Arg397Gln)

Gene: CDAN1 (codanin 1; minus strand). Cytogenetic location: 15q15.2.
Variant type: single nucleotide variant.
Coding change: c.1190G>A on transcript NM_138477.4 (MANE Select); coding-DNA position 1190, G replaced by A.
Protein change: p.Arg397Gln; replaces arginine 397 with glutamine.
Molecular consequence: missense variant.
Genome position (GRCh38, 1-based): chr15:42,734,293, C>T on the plus strand (G>A on the coding strand, the complement: CDAN1 is on the minus strand). VCF-style: chr15-42734293-C-T. GRCh37 (hg19) VCF-style: chr15-43026491-C-T.
Other names: short protein forms R397Q.
Identifiers: ClinVar variation 4531499 (VCV004531499.1).

ClinVar aggregate classification (germline): Uncertain significance (1 of 4 stars; one submission).

Conditions:
Anemia, congenital dyserythropoietic, type 1a (CDAN1A). Also called: DYSERYTHROPOIETIC ANEMIA, CONGENITAL, TYPE Ia; CDAN1-Related Congenital Dyserythropoietic Anemia. Identifiers: MedGen C5574667, MONDO:0009135, OMIM 224120.

gnomAD v4.1: 18 of 1,614,080 alleles (0.0011%); highest among the groups gnomAD compares: Non-Finnish European, 0.0014%; no homozygotes.

Submission:

Victorian Clinical Genetics Services, Murdoch Childrens Research Institute
Classification: Uncertain significance for Anemia, congenital dyserythropoietic, type 1a. Last evaluated: 2025-09-30. Review status: criteria provided, single submitter. Criteria: ACMG Guidelines, 2015. Collection method: clinical testing. Allele origin: germline. Affected: yes.
Comment: This variant is classified as VUS-3A. Evidence in support of pathogenic classification: Variant is present in gnomAD <0.01 for a recessive condition (v4: 18 heterozygote(s), 0 homozygote(s)); Another missense variant comparable to the one identified in this case has limited previous evidence for pathogenicity. The p.(Arg397Trp) variant has been classified as a VUS by a clinical laboratory in ClinVar. It has also been reported in a compound heterozygous state in two unrelated individuals with cogential dyserythropoietic anaemia (PMID: 29797310, 29396846); Missense variant predicted to be damaging by in silico tool(s) or highly conserved with a major amino acid change. Additional information: Variant is predicted to result in a missense amino acid change from Arg to Gln; This variant is heterozygous; This gene is associated with autosomal recessive disease; Alternative amino acid change(s) at the same position are present in gnomAD (highest allele count: v4: 14 heterozygote(s), 0 homozygote(s)); This variant has no previous evidence of pathogenicity; No published evidence of segregation with disease has been identified for this variant; No published functional evidence has been identified for this variant; Variant is not located in an established domain, motif, hotspot or informative constraint region; Loss of function is a known mechanism of disease in this gene and is associated with congenital dyserythropoietic anaemia, type Ia (MIM#224120); Variants in this gene are known to have variable expressivity. Marked clinical variability has been observed in individuals with the same variant (PMID: 20301759).

Literature cited by the submitters: PubMed 20301759; PubMed 29396846; PubMed 29797310.